The following is an entry in ClinVar:

NM_001284401.2(TAMM41):c.633C>T (p.His211=)

Gene: TAMM41 (TAM41 mitochondrial translocator assembly and maintenance homolog). Cytogenetic location: 3p25.2.
Variant type: single nucleotide variant.
Coding change: c.633C>T on transcript NM_001284401.2 (MANE Select); coding-DNA position 633, C replaced by T.
Protein change: p.His211=; no amino-acid change (histidine 211 retained).
Molecular consequence: synonymous variant. On other transcripts: non-coding transcript variant (10).
Genome position (GRCh38, 1-based): chr3:11,817,267, G>A on the plus strand (C>T on the coding strand, the complement: TAMM41 is on the minus strand). VCF-style: chr3-11817267-G-A. GRCh37 (hg19) VCF-style: chr3-11858741-G-A.
Other names: c.510C>T, p.His170= (NM_001321294.2); c.135C>T, p.His45= (NM_001321295.2); c.633C>T, p.His211= (NM_001366031.2, NM_001394474.1, NM_138807.4).
Identifiers: ClinVar variation 4978355 (VCV004978355.1).
Genomic context (GRCh38, chr3:11,817,267, plus strand): 5'-CTGGCTTTTATACACCACTTGAGGATTTTCCTGTAGTATGCTGCCATAGAGCTCTCGAAA[G>A]TGGGCTATATTGGGCTTCACAATATTCAACACTTTTGTTTTATCTTCTCCAACCACCATC-3'
Protein context (NP_001271330.1, residues 201-221): VLNIVKPNIA[His211=]FRELYGSILQ

ClinVar aggregate classification (germline): Likely benign (1 of 4 stars; one submission).

Conditions:
TAMM41-related condition.

gnomAD v4.1: 387 of 1,613,684 alleles (0.024%); highest among the groups gnomAD compares: African/African-American, 0.44%; 2 homozygotes.

Submission:

PreventionGenetics, part of Exact Sciences
Classification: Likely benign for TAMM41-related condition. Last evaluated: 2026-07-27. Review status: criteria provided, single submitter. Criteria: ACMG Guidelines, 2015. Collection method: clinical testing. Allele origin: germline.
Comment: This variant is classified as likely benign based on ACMG/AMP sequence variant interpretation guidelines (Richards et al. 2015 PMID: 25741868, with internal and published modifications).